The following is an entry in ClinVar:

ClinVar aggregate classification (germline): Conflicting classifications of pathogenicity. Review status: criteria provided, conflicting classifications (1 of 4 stars). 7 submissions from 5 submitters: Uncertain significance (2); Benign (1); Likely benign (4). Last evaluated 2026-07-29.

Conditions:
Drash syndrome (DDS). Also called: WILMS TUMOR AND PSEUDO- OR TRUE HERMAPHRODITISM; NEPHROPATHY, WILMS TUMOR, AND GENITAL ANOMALIES. Identifiers: Orphanet 220, MedGen C0950121, MONDO:0008682, OMIM 194080.
Wilms tumor 1 (WT1). Also called: Wilms tumor, somatic. Identifiers: Orphanet 654, MedGen CN033288, MONDO:0008679, OMIM 194070.
11p partial monosomy syndrome (WAGR). Also called: WAGR syndrome; WAGR Complex; CHROMOSOME 11p13 DELETION SYNDROME; WAGR Spectrum Disorder. Identifiers: Orphanet 893, MedGen C0206115, MONDO:0008681, OMIM 194072.
Frasier syndrome. Identifiers: Orphanet 347, MedGen C0950122, MeSH D052159, MONDO:0007635, OMIM 136680.
Nephrotic syndrome, type 4 (NPHS4). Also called: Familial mesangial sclerosis; Nephrotic syndrome, early onset with diffuse mesangial sclerosis. Identifiers: Orphanet 656, MedGen C3151568, MONDO:0009733, OMIM 256370.
WT1-related disorder. Also called: WT1-related disorders. Identifiers: MedGen CN377814.
Meacham syndrome. Also called: Meacham Winn Culler syndrome. Identifiers: Orphanet 3097, MedGen C1837026, MONDO:0012164, OMIM 608978.

Allele frequency attached by ClinVar (database versions not stated): gnomAD 0.00007 and 0.00005; ESP Exome Variant Server 0.00008; TOPMed 0.00008; gnomAD exomes 0.00001 and 0.00002; ExAC 0.00003.
gnomAD v4.1: 13 of 1,614,098 alleles (0.00081%); highest among the groups gnomAD compares: African/African-American, 0.016%; no homozygotes.

Submissions (7):

PreventionGenetics, part of Exact Sciences
Classification: Likely benign for WT1-related condition. Last evaluated: 2026-07-29. Review status: criteria provided, single submitter. Criteria: ACMG Guidelines, 2015. Collection method: clinical testing. Allele origin: germline.
Comment: This variant is classified as likely benign based on ACMG/AMP sequence variant interpretation guidelines (Richards et al. 2015 PMID: 25741868, with internal and published modifications).

Labcorp Genetics (formerly Invitae), Labcorp
Classification: Likely benign for Wilms tumor 1; Drash syndrome; 11p partial monosomy syndrome; Frasier syndrome. Last evaluated: 2024-10-03. Review status: criteria provided, single submitter. Criteria: Invitae Variant Classification Sherloc (09022015). Collection method: clinical testing. Allele origin: germline.

All of Us Research Program, National Institutes of Health
Classification: Likely benign for Wilms tumor 1. Last evaluated: 2023-12-01. Review status: criteria provided, single submitter. Criteria: ACMG Guidelines, 2015. Collection method: clinical testing. Allele origin: germline. Inheritance: Autosomal dominant inheritance. Observed: 2 variant alleles, 2 heterozygotes.
Comment: This study involves interpretation of variants in research participants for the purpose of population health screening. Participant phenotype was not available at the time of variant classification. Additional details can be found in publication PMID: 35346344, PMCID: PMC8962531

Color Diagnostics, LLC DBA Color Health
Classification: Likely benign for Wilms tumor 1. Last evaluated: 2023-02-16. Review status: criteria provided, single submitter. Criteria: ACMG Guidelines, 2015. Collection method: clinical testing. Allele origin: germline.

Illumina Laboratory Services, Illumina
Classification: Benign for Meacham syndrome. Last evaluated: 2017-04-28. Review status: criteria provided, single submitter. Criteria: ICSL Variant Classification Criteria 13 December 2019. Collection method: clinical testing. Allele origin: germline.
Comment: This variant was observed as part of a predisposition screen in an ostensibly healthy population. A literature search was performed for the gene, cDNA change, and amino acid change (where applicable). No publications were found based on this search. Allele frequency data from public databases was too high to be consistent with this variant causing disease. Therefore, this variant is classified as benign.

Illumina Laboratory Services, Illumina
Classification: Uncertain significance for Wilms tumor 1. Last evaluated: 2017-04-28. Review status: criteria provided, single submitter. Criteria: ICSL Variant Classification Criteria 13 December 2019. Collection method: clinical testing. Allele origin: germline.

Illumina Laboratory Services, Illumina
Classification: Uncertain significance for Nephrotic syndrome, type 4. Last evaluated: 2017-04-28. Review status: criteria provided, single submitter. Criteria: ICSL Variant Classification Criteria 13 December 2019. Collection method: clinical testing. Allele origin: germline.

NM_024426.6(WT1):c.1020C>T (p.His340=)

Gene: WT1 (WT1 transcription factor; minus strand). Cytogenetic location: 11p13.
Variant type: single nucleotide variant.
Coding change: c.1020C>T on transcript NM_024426.6 (MANE Select); coding-DNA position 1020, C replaced by T.
Protein change: p.His340=; no amino-acid change (histidine 340 retained).
Molecular consequence: synonymous variant. On other transcripts: 5 prime UTR variant (1), non-coding transcript variant (2), intron variant (1).
Genome position (GRCh38, 1-based): chr11:32,400,041, G>A on the plus strand (C>T on the coding strand, the complement: WT1 is on the minus strand). VCF-style: chr11-32400041-G-A. GRCh37 (hg19) VCF-style: chr11-32421587-G-A.
Other names: c.969C>T, p.His323= (NM_000378.6, NM_001407045.1, NM_001407048.1 and 1 more transcripts); c.369C>T, p.His123= (NM_001198551.2); c.318C>T, p.His106= (NM_001198552.2); c.-169C>T (NM_001367854.1); c.1020C>T, p.His340= (NM_001407046.1, NM_024424.5); c.897C>T, p.His299= (NM_001407047.1); c.846C>T, p.His282= (NM_001407050.1); c.258C>T, p.His86= (NM_001407051.1); and 2 more.
Identifiers: ClinVar variation 877125 (VCV000877125.16), dbSNP rs375114529, ClinGen allele CA064034.
Genomic context (GRCh38, chr11:32,400,041, plus strand): 5'-TCTGTATTGGGCTCCGCAGAGGATGGGCGTTGTGTGGTTATCGCTCTCGTACCCTGTGCT[G>A]TGGCTGCAAACACAAAGAAGGGAAAAAGGCTCAGTGTGGCTCACAGTCGCCATTTGGAAA-3'
Protein context (NP_077744.4, residues 330-350): SVKWTEGQSN[His340=]STGYESDNHT